The following is an entry in ClinVar:

NM_015311.3(OBSL1):c.3561T>C (p.Pro1187=)

Gene: OBSL1 (obscurin like cytoskeletal adaptor 1; minus strand). Cytogenetic location: 2q35.
Variant type: single nucleotide variant.
Coding change: c.3561T>C on transcript NM_015311.3 (MANE Select); coding-DNA position 3561, T replaced by C.
Protein change: p.Pro1187=; no amino-acid change (proline 1187 retained).
Molecular consequence: synonymous variant.
Genome position (GRCh38, 1-based): chr2:219,558,052, A>G on the plus strand (T>C on the coding strand, the complement: OBSL1 is on the minus strand). VCF-style: chr2-219558052-A-G. GRCh37 (hg19) VCF-style: chr2-220422774-A-G.
Other names: c.3561T>C, p.Pro1187= (NM_001173431.2).
Identifiers: ClinVar variation 334496 (VCV000334496.23), dbSNP rs2278201, ClinGen allele CA2130817.
Genomic context (GRCh38, chr2:219,558,052, plus strand): 5'-GCTCCAGACCACGGGGGCGCCAGCCCGGGACAGTTCACAGCTCAGCACCACTGGCTCCCC[A>G]GGGGCCACACAGAGCGGGCTTGGAGTTGTCTCTAGAGCAAGGAACTGCACTGGAGGCTCT-3'
Protein context (NP_056126.1, residues 1177-1197): ETTPSPLCVA[Pro1187=]GEPVVLSCEL

ClinVar aggregate classification (germline): Benign. Review status: criteria provided, multiple submitters, no conflicts (2 of 4 stars). 8 submissions from 8 submitters: Benign (6). 2 of the submissions do not count toward it. Last evaluated 2026-05-08.

Conditions:
3M syndrome 2. Also called: 3-M Syndrome, OBSL1-Related; THREE M SYNDROME 2. Identifiers: Orphanet 2616, MedGen C2752041, MONDO:0013039, OMIM 612921.

Allele frequency attached by ClinVar (database versions not stated): 1000 Genomes Project 0.41913; 1000 Genomes Project 30x 0.43004; ESP Exome Variant Server 0.45583; TOPMed 0.47147; gnomAD 0.47513.
gnomAD v4.1: 715,276 of 1,613,054 alleles (44%); highest among the groups gnomAD compares: Admixed American, 53%; 161,790 homozygotes.

Submissions (8):

Women's Health and Genetics/Laboratory Corporation of America, LabCorp
Classification: Benign. Last evaluated: 2026-05-08. Review status: criteria provided, single submitter. Criteria: LabCorp Variant Classification Summary - May 2015. Collection method: clinical testing. Allele origin: germline.

Labcorp Genetics (formerly Invitae), Labcorp
Classification: Benign. Last evaluated: 2026-02-04. Review status: criteria provided, single submitter. Criteria: Invitae Variant Classification Sherloc (09022015). Collection method: clinical testing. Allele origin: germline.

Blueprint Genetics
Classification: Benign. Last evaluated: 2024-11-26. Review status: criteria provided, single submitter. Criteria: ACMG Guidelines, 2015. Collection method: clinical testing. Allele origin: germline.

Genome-Nilou Lab
Classification: Benign for 3M syndrome 2. Last evaluated: 2021-09-05. Review status: criteria provided, single submitter. Criteria: ACMG Guidelines, 2015. Collection method: clinical testing. Allele origin: germline. Affected: no.

Illumina Laboratory Services, Illumina
Classification: Benign for 3M syndrome 2. Last evaluated: 2018-01-12. Review status: criteria provided, single submitter. Criteria: ICSL Variant Classification Criteria 13 December 2019. Collection method: clinical testing. Allele origin: germline.
Comment: This variant was observed in the ICSL laboratory as part of a predisposition screen in an ostensibly healthy population. It had not been previously curated by ICSL or reported in the Human Gene Mutation Database (HGMD: prior to June 1st, 2018), and was therefore a candidate for classification through an automated scoring system. Utilizing variant allele frequency, disease prevalence and penetrance estimates, and inheritance mode, an automated score was calculated to assess if this variant is too frequent to cause the disease. Based on the score and internal cut-off values, a variant classified as benign is not then subjected to further curation. The score for this variant resulted in a classification of benign for this disease.

Breakthrough Genomics
Classification: Benign. Review status: criteria provided, single submitter. Criteria: ACMG Guidelines, 2015. Collection method: not provided. Allele origin: germline. Inheritance: Autosomal recessive inheritance. Affected: yes.

Diagnostic Laboratory, Department of Genetics, University Medical Center Groningen
Classification: Benign. Review status: no assertion criteria provided. Collection method: clinical testing. Allele origin: germline. Affected: yes. Study: VKGL Data-share Consensus. Not counted in ClinVar's aggregate classification.

Joint Genome Diagnostic Labs from Nijmegen and Maastricht, Radboudumc and MUMC+
Classification: Benign. Review status: no assertion criteria provided. Collection method: clinical testing. Allele origin: germline. Affected: yes. Study: VKGL Data-share Consensus. Not counted in ClinVar's aggregate classification.